The following is an entry in ClinVar:

NM_000051.4(ATM):c.5726T>C (p.Met1909Thr)

Gene: ATM (ATM serine/threonine kinase; plus strand). Cytogenetic location: 11q22.3.
Variant type: single nucleotide variant.
Coding change: c.5726T>C on transcript NM_000051.4 (MANE Select); coding-DNA position 5726, T replaced by C.
Protein change: p.Met1909Thr; replaces methionine 1909 with threonine.
Molecular consequence: missense variant.
Genome position (GRCh38, 1-based): chr11:108,307,948, T>C. VCF-style: chr11-108307948-T-C. GRCh37 (hg19) VCF-style: chr11-108178675-T-C.
Other names: c.5726T>C, p.Met1909Thr (NM_001351834.2); c.5726T>C (NM_000051.3); short protein forms M1909T.
Identifiers: ClinVar variation 1040289 (VCV001040289.12), dbSNP rs542378165, ClinGen allele CA6265763.

ClinVar aggregate classification (germline): Uncertain significance. Review status: criteria provided, multiple submitters, no conflicts (2 of 4 stars). 2 submissions from 2 submitters: Uncertain significance (2). Last evaluated 2025-08-08.

Conditions:
Hereditary cancer-predisposing syndrome. Also called: Hereditary neoplastic syndrome; Neoplastic Syndromes, Hereditary; Tumor predisposition; Hereditary Cancer Syndrome. Identifiers: Orphanet 140162, MedGen C0027672, MeSH D009386, MONDO:0015356.
Ataxia-telangiectasia syndrome (AT). Also called: ATAXIA-TELANGIECTASIA, COMPLEMENTATION GROUP A; ATAXIA-TELANGIECTASIA, FRESNO VARIANT; Ataxia-telangiectasia, complementation group D; AT, COMPLEMENTATION GROUP C; Cerebello-oculocutaneous telangiectasia; Immunodeficiency with ataxia telangiectasia. Identifiers: Orphanet 100, MedGen C0004135, MONDO:0008840, OMIM 208900.

Allele frequency attached by ClinVar (database versions not stated): ExAC 0.00001; gnomAD 0.00001; 1000 Genomes Project 30x 0.00016; 1000 Genomes Project 0.00020.

Submissions (2):

Ambry Genetics
Classification: Uncertain significance for Hereditary cancer-predisposing syndrome. Last evaluated: 2025-08-08. Review status: criteria provided, single submitter. Criteria: Ambry Variant Classification Scheme 2023. Collection method: clinical testing. Allele origin: germline.
Comment: The p.M1909T variant (also known as c.5726T>C), located in coding exon 37 of the ATM gene, results from a T to C substitution at nucleotide position 5726. The methionine at codon 1909 is replaced by threonine, an amino acid with similar properties. This alteration has been reported in the germline of 1/8,920 ethnically matched normal population control subjects and was absent in 516 samples from a study of chronic lymphocytic leukemia patients of European descent (Tiao G et al. Leukemia, 2017 Oct;31:2244-2247). This amino acid position is highly conserved in available vertebrate species. In addition, this alteration is predicted to be deleterious by in silico analysis. Since supporting evidence is limited at this time, the clinical significance of this alteration remains unclear.

Labcorp Genetics (formerly Invitae), Labcorp
Classification: Uncertain significance for Ataxia-telangiectasia syndrome. Last evaluated: 2020-01-20. Review status: criteria provided, single submitter. Criteria: Invitae Variant Classification Sherloc (09022015). Collection method: clinical testing. Allele origin: germline.
Comment: This sequence change replaces methionine with threonine at codon 1909 of the ATM protein (p.Met1909Thr). The methionine residue is highly conserved and there is a moderate physicochemical difference between methionine and threonine. In summary, the available evidence is currently insufficient to determine the role of this variant in disease. Therefore, it has been classified as a Variant of Uncertain Significance. Algorithms developed to predict the effect of missense changes on protein structure and function (SIFT, PolyPhen-2, Align-GVGD) all suggest that this variant is likely to be disruptive, but these predictions have not been confirmed by published functional studies and their clinical significance is uncertain. This variant has not been reported in the literature in individuals with ATM-related conditions. This variant is present in population databases (rs542378165, ExAC 0.002%).

Literature cited by the submitters: PubMed 28652578 (cited by Ambry Genetics).